The following is an entry in ClinVar:

NM_052874.5(STX1B):c.766T>C (p.Tyr256His)

Gene: STX1B (syntaxin 1B; minus strand). Cytogenetic location: 16p11.2.
Variant type: single nucleotide variant.
Coding change: c.766T>C on transcript NM_052874.5 (MANE Select); coding-DNA position 766, T replaced by C.
Protein change: p.Tyr256His; replaces tyrosine 256 with histidine.
Molecular consequence: missense variant.
Genome position (GRCh38, 1-based): chr16:30,993,150, A>G on the plus strand (T>C on the coding strand, the complement: STX1B is on the minus strand). VCF-style: chr16-30993150-A-G. GRCh37 (hg19) VCF-style: chr16-31004471-A-G.
Other names: short protein forms Y256H.
Identifiers: ClinVar variation 1315270 (VCV001315270.2), dbSNP rs2143661376, ClinGen allele CA395646670.

ClinVar aggregate classification (germline): Uncertain significance (1 of 4 stars; one submission).

Submission:

GeneDx
Classification: Uncertain significance. Last evaluated: 2020-03-07. Review status: criteria provided, single submitter. Criteria: GeneDx Variant Classification Process June 2021. Collection method: clinical testing. Allele origin: germline. Affected: yes.
Comment: Not observed in large population cohorts (Lek et al., 2016); In silico analysis supports that this missense variant has a deleterious effect on protein structure/function; Has not been previously published as pathogenic or benign to our knowledge